The following is an entry in ClinVar:

NM_153252.5(BRWD3):c.3325+1G>A

Gene: BRWD3 (bromodomain and WD repeat domain containing 3; minus strand). Cytogenetic location: Xq21.1.
Variant type: single nucleotide variant.
Coding change: c.3325+1G>A on transcript NM_153252.5 (MANE Select); the canonical splice donor site of the intron after coding-DNA position 3325, G replaced by A.
Molecular consequence: splice donor variant.
Genome position (GRCh38, 1-based): chrX:80,692,088, C>T on the plus strand (G>A on the coding strand, the complement: BRWD3 is on the minus strand). VCF-style: chrX-80692088-C-T. GRCh37 (hg19) VCF-style: chrX-79947587-C-T.
Other names: c.3175+1G>A (NM_001441339.1).
Identifiers: ClinVar variation 5019652 (VCV005019652.1).

ClinVar aggregate classification (germline): Likely pathogenic (1 of 4 stars; one submission).

Conditions:
Intellectual developmental disorder, X-linked 93. Also called: MENTAL RETARDATION, X-LINKED, WITH MACROCEPHALY; Intellectual disability, X-linked 93. Identifiers: MedGen C1970841, MONDO:0010393, OMIM 300659.

Submission:

Juno Genomics, Hangzhou Juno Genomics, Inc
Classification: Likely pathogenic for Intellectual developmental disorder, X-linked 93. Review status: criteria provided, single submitter. Criteria: ACMG Guidelines, 2015. Collection method: clinical testing. Allele origin: germline. Affected: yes.
Comment: Absent from controls (or at extremely low frequency if recessive) in Genome Aggregation Database.;Null variant in a gene where loss of function (LOF) is a known mechanism of disease.